The following is an entry in ClinVar:

NM_015192.4(PLCB1):c.1551T>G (p.Asp517Glu)

Gene: PLCB1 (phospholipase C beta 1; plus strand). Cytogenetic location: 20p12.3.
Variant type: single nucleotide variant.
Coding change: c.1551T>G on transcript NM_015192.4 (MANE Select); coding-DNA position 1551, T replaced by G.
Protein change: p.Asp517Glu; replaces aspartic acid 517 with glutamic acid.
Molecular consequence: missense variant.
Genome position (GRCh38, 1-based): chr20:8,722,391, T>G. VCF-style: chr20-8722391-T-G. GRCh37 (hg19) VCF-style: chr20-8703038-T-G.
Other names: c.1551T>G, p.Asp517Glu (NM_182734.3); short protein forms D517E.
Identifiers: ClinVar variation 1505811 (VCV001505811.7), dbSNP rs150189968, ClinGen allele CA9759991.

ClinVar aggregate classification (germline): Uncertain significance (1 of 4 stars; one submission).

Conditions:
Developmental and epileptic encephalopathy, 12 (DEE12). Identifiers: MedGen C3150988, MONDO:0013389, OMIM 613722.

Allele frequency attached by ClinVar (database versions not stated): gnomAD exomes below 0.00001; ExAC 0.00001; gnomAD 0.00002; TOPMed 0.00003; ESP Exome Variant Server 0.00008.
gnomAD v4.1: 5 of 1,611,200 alleles (0.00031%); highest among the groups gnomAD compares: African/African-American, 0.0067%; no homozygotes.

Submission:

Labcorp Genetics (formerly Invitae), Labcorp
Classification: Uncertain significance for Developmental and epileptic encephalopathy, 12. Last evaluated: 2024-02-12. Review status: criteria provided, single submitter. Criteria: Invitae Variant Classification Sherloc (09022015). Collection method: clinical testing. Allele origin: germline.
Comment: This sequence change replaces aspartic acid, which is acidic and polar, with glutamic acid, which is acidic and polar, at codon 517 of the PLCB1 protein (p.Asp517Glu). This variant is present in population databases (rs150189968, gnomAD 0.008%). This variant has not been reported in the literature in individuals affected with PLCB1-related conditions. ClinVar contains an entry for this variant (Variation ID: 1505811). Advanced modeling of protein sequence and biophysical properties (such as structural, functional, and spatial information, amino acid conservation, physicochemical variation, residue mobility, and thermodynamic stability) performed at Invitae indicates that this missense variant is not expected to disrupt PLCB1 protein function with a negative predictive value of 80%. In summary, the available evidence is currently insufficient to determine the role of this variant in disease. Therefore, it has been classified as a Variant of Uncertain Significance.